The following is an entry in ClinVar:

ClinVar aggregate classification (germline): Pathogenic. Review status: criteria provided, multiple submitters, no conflicts (2 of 4 stars). 2 submissions from 2 submitters: Pathogenic (2). Last evaluated 2022-12-03.

Conditions:
Breast neoplasm. Also called: Breast Neoplasms; Neoplasm of breast; Breast tumor; Neoplasm of the breast. Identifiers: MedGen C1458155, MeSH D001943, MONDO:0021100, HP:0100013. Disease mechanism: gain of function.
Hereditary breast ovarian cancer syndrome. Also called: Hereditary breast and ovarian cancer syndrome (HBOC); Breast and ovarian cancer; BRCA1- and BRCA2-Associated Hereditary Breast and Ovarian Cancer; Hereditary breast and/or ovarian cancer syndrome; Hereditary breast and ovarian cancer; Hereditary breast and ovarian cancer syndrome. Identifiers: Orphanet 145, MedGen C0677776, MeSH D061325, MONDO:0003582. Disease mechanism: loss of function.

Submissions (2):

Labcorp Genetics (formerly Invitae), Labcorp
Classification: Pathogenic for Hereditary breast ovarian cancer syndrome. Last evaluated: 2022-12-03. Review status: criteria provided, single submitter. Criteria: Invitae Variant Classification Sherloc (09022015). Collection method: clinical testing. Allele origin: germline.
Comment: ClinVar contains an entry for this variant (Variation ID: 430632). For these reasons, this variant has been classified as Pathogenic. This premature translational stop signal has been observed in individual(s) with breast and/or ovarian cancer (PMID: 30555256). This variant is not present in population databases (gnomAD no frequency). This sequence change creates a premature translational stop signal (p.Glu181*) in the BRCA1 gene. It is expected to result in an absent or disrupted protein product. Loss-of-function variants in BRCA1 are known to be pathogenic (PMID: 20104584).

Molecular Diagnostics, Rajiv Gandhi Cancer Institute & Research Center
Classification: Pathogenic for Breast neoplasm. Last evaluated: 2017-06-27. Review status: criteria provided, single submitter. Criteria: ENIGMA rules, 2015. Collection method: in vitro. Allele origin: not applicable. Inheritance: Autosomal dominant inheritance.
Comment: Nonsense mutation in exon7 of BRCA1 gene.

Literature cited by the submitters: PubMed 30555256 (cited by Labcorp Genetics (formerly Invitae), Labcorp); PubMed 20104584 (cited by Labcorp Genetics (formerly Invitae), Labcorp).

NM_007294.4(BRCA1):c.541G>T (p.Glu181Ter)

Gene: BRCA1 (BRCA1 DNA repair associated; minus strand). Cytogenetic location: 17q21.31.
Variant type: single nucleotide variant.
Coding change: c.541G>T on transcript NM_007294.4 (MANE Select); coding-DNA position 541, G replaced by T.
Protein change: p.Glu181Ter; replaces glutamic acid 181 with a stop codon.
Molecular consequence: nonsense. On other transcripts: non-coding transcript variant (1).
Genome position (GRCh38, 1-based): chr17:43,099,781, C>A on the plus strand (G>T on the coding strand, the complement: BRCA1 is on the minus strand). VCF-style: chr17-43099781-C-A. GRCh37 (hg19) VCF-style: chr17-41251798-C-A.
Other names: c.541G>T, p.Glu181Ter (NM_001408443.1, NM_001408444.1, NM_001407581.1 and 97 more transcripts); c.400G>T, p.Glu134Ter (NM_001408452.1, NM_001407692.1, NM_001407694.1 and 61 more transcripts); c.538G>T, p.Glu180Ter (NM_001408445.1, NM_001408447.1, NM_001408448.1 and 65 more transcripts); c.406G>T, p.Glu136Ter (NM_001408451.1); c.328G>T, p.Glu110Ter (NM_001407571.1, NM_001407853.1, NM_001407894.1 and 18 more transcripts); c.532G>T, p.Glu178Ter (NM_001407646.1, NM_001407647.1, NM_001408408.1); c.463G>T, p.Glu155Ter (NM_001407653.1, NM_001407654.1, NM_001407655.1 and 12 more transcripts); c.460G>T, p.Glu154Ter (NM_001407659.1, NM_001407660.1, NM_001407661.1 and 6 more transcripts); and 4 more; short protein forms E181*, E134*, E136*, E178*, E110*, E111*, E154*, E180*.
Identifiers: ClinVar variation 430632 (VCV000430632.13), dbSNP rs1131692162, ClinGen allele CA10601058.